The following is an entry in ClinVar:

ClinVar aggregate classification (germline): Uncertain significance (1 of 4 stars; one submission).

Conditions:
Arrhythmogenic right ventricular dysplasia 12. Also called: ARRHYTHMOGENIC RIGHT VENTRICULAR DYSPLASIA, FAMILIAL, 12. Identifiers: MedGen C1969081, MONDO:0012684, OMIM 611528.
Naxos disease (NXD). Also called: CARDIOMYOPATHY, ARRHYTHMOGENIC RIGHT VENTRICULAR, WITH SKIN, HAIR, AND NAIL ABNORMALITIES; KERATOSIS PALMOPLANTARIS WITH ARRHYTHMOGENIC CARDIOMYOPATHY; MAL DE NAXOS; PALMOPLANTAR KERATODERMA WITH ARRHYTHMOGENIC RIGHT VENTRICULAR CARDIOMYOPATHY AND WOOLLY HAIR; WOOLLY HAIR, PALMOPLANTAR KERATODERMA, AND CARDIAC ABNORMALITIES. Identifiers: Orphanet 34217, MedGen C1832600, MONDO:0011017, OMIM 601214.

gnomAD v4.1: 2 of 1,614,018 alleles (0.00012%); highest among the groups gnomAD compares: Admixed American, 0.0033%; no homozygotes.

Submission:

Labcorp Genetics (formerly Invitae), Labcorp
Classification: Uncertain significance for Arrhythmogenic right ventricular dysplasia 12; Naxos disease. Last evaluated: 2024-12-08. Review status: criteria provided, single submitter. Criteria: Invitae Variant Classification Sherloc (09022015). Collection method: clinical testing. Allele origin: germline.
Comment: This sequence change replaces glutamine, which is neutral and polar, with lysine, which is basic and polar, at codon 494 of the JUP protein (p.Gln494Lys). This variant is present in population databases (no rsID available, gnomAD 0.006%). This variant has not been reported in the literature in individuals affected with JUP-related conditions. An algorithm developed to predict the effect of missense changes on protein structure and function (PolyPhen-2) suggests that this variant is likely to be tolerated. In summary, the available evidence is currently insufficient to determine the role of this variant in disease. Therefore, it has been classified as a Variant of Uncertain Significance.

NM_002230.4(JUP):c.1480C>A (p.Gln494Lys)

Gene: JUP (junction plakoglobin; minus strand). Cytogenetic location: 17q21.2.
Variant type: single nucleotide variant.
Coding change: c.1480C>A on transcript NM_002230.4 (MANE Select); coding-DNA position 1480, C replaced by A.
Protein change: p.Gln494Lys; replaces glutamine 494 with lysine.
Molecular consequence: missense variant.
Genome position (GRCh38, 1-based): chr17:41,763,000, G>T on the plus strand (C>A on the coding strand, the complement: JUP is on the minus strand). VCF-style: chr17-41763000-G-T. GRCh37 (hg19) VCF-style: chr17-39919252-G-T.
Other names: c.1480C>A, p.Gln494Lys (NM_001352773.2, NM_001352774.2, NM_001352775.2 and 3 more transcripts); short protein forms Q494K.
Identifiers: ClinVar variation 3760788 (VCV003760788.2).